The following is an entry in ClinVar:

ClinVar aggregate classification (germline): Uncertain significance (1 of 4 stars; one submission).

Conditions:
Polycystic kidney disease, adult type (PKD1). Also called: Polycystic Kidney, Autosomal Dominant; POLYCYSTIC KIDNEY DISEASE 1 WITH OR WITHOUT POLYCYSTIC LIVER DISEASE; POLYCYSTIC KIDNEY DISEASE, ADULT, TYPE I; Polycystic Kidney Disease 1, Autosomal Dominant; Polycystic kidney disease 1; Polycystic kidney disease 1, severe. Identifiers: MedGen C3149841, MONDO:0008263, OMIM 173900.

Submission:

MVZ Medizinische Genetik Mainz
Classification: Uncertain significance for Polycystic kidney disease, adult type. Last evaluated: 2024-08-15. Review status: criteria provided, single submitter. Criteria: UK Practice Guidelines For Variant Classification V4 01 2020. Collection method: clinical testing. Allele origin: germline. Inheritance: Autosomal dominant inheritance. Affected: yes. Observed: 1 variant allele.
Comment: ACMG Criteria: PM2_SUP,PP3,PP4

NM_001009944.3(PKD1):c.9593A>C (p.Gln3198Pro)

Gene: PKD1 (polycystin 1, transient receptor potential channel interacting; minus strand). Cytogenetic location: 16p13.3.
Variant type: single nucleotide variant.
Coding change: c.9593A>C on transcript NM_001009944.3 (MANE Select); coding-DNA position 9593, A replaced by C.
Protein change: p.Gln3198Pro; replaces glutamine 3198 with proline.
Molecular consequence: missense variant.
Genome position (GRCh38, 1-based): chr16:2,100,285, T>G on the plus strand (A>C on the coding strand, the complement: PKD1 is on the minus strand). VCF-style: chr16-2100285-T-G. GRCh37 (hg19) VCF-style: chr16-2150286-T-G.
Other names: c.9593A>C, p.Gln3198Pro (NM_000296.4); short protein forms Q3198P.
Identifiers: ClinVar variation 3338374 (VCV003338374.1).